The following is an entry in ClinVar:

NM_005515.4(MNX1):c.401_402insCGCCGCTGGGGGCCTGGCGC (p.Gly135fs)

Genes: MNX1 (motor neuron and pancreas homeobox 1; minus strand), LOC129999736 (ATAC-STARR-seq lymphoblastoid silent region 18858; plus strand). Cytogenetic location: 7q36.3.
Variant type: Microsatellite.
Coding change: c.401_402insCGCCGCTGGGGGCCTGGCGC on transcript NM_005515.4 (MANE Select); coding-DNA positions 401 to 402, CGCCGCTGGGGGCCTGGCGC inserted.
Protein change: p.Gly135fs; shifts the reading frame from glycine 135.
Molecular consequence: frameshift variant.
Genome position: GRCh38 VCF-style: chr7-157009949-A-AGCGCCAGGCCCCCAGCGGCG. GRCh37 (hg19) VCF-style: chr7-156802643-A-AGCGCCAGGCCCCCAGCGGCG.
Other names: c.401_402insCGCCGCTGGGGGCCTGGCGC (NM_005515.3); short protein forms G135fs.
Identifiers: ClinVar variation 2047371 (VCV002047371.6), dbSNP rs2537780831.

ClinVar aggregate classification (germline): Pathogenic. Review status: criteria provided, multiple submitters, no conflicts (2 of 4 stars). 3 submissions from 3 submitters: Pathogenic (3). Last evaluated 2025-09-03.

Conditions:
Inborn genetic diseases. Identifiers: MedGen C0950123, MeSH D030342.

Submissions (3):

Ambry Genetics
Classification: Pathogenic for Inborn genetic diseases. Last evaluated: 2025-09-03. Review status: criteria provided, single submitter. Criteria: Ambry Variant Classification Scheme 2023. Collection method: clinical testing. Allele origin: germline.
Comment: The c.401_402insCGCCGCTGGGGGCCTGGCGC (p.G135Afs*94) alteration, located in exon 1 (coding exon 1) of the MNX1 gene, consists of an insertion of CGCCGCTGGGGGCCTGGCGC at position 401, causing a translational frameshift with a predicted alternate stop codon after 94 amino acids. This alteration is expected to result in loss of function by premature protein truncation or nonsense-mediated mRNA decay. The Genome Aggregation Database (gnomAD) data for this variant is unreliable due to technical and/or biological issues, therefore population frequency estimates were not considered. Based on the available evidence, this alteration is classified as pathogenic.

Labcorp Genetics (formerly Invitae), Labcorp
Classification: Pathogenic. Last evaluated: 2024-11-19. Review status: criteria provided, single submitter. Criteria: Invitae Variant Classification Sherloc (09022015). Collection method: clinical testing. Allele origin: germline.
Comment: This sequence change creates a premature translational stop signal (p.Gly135Alafs*94) in the MNX1 gene. It is expected to result in an absent or disrupted protein product. Loss-of-function variants in MNX1 are known to be pathogenic (PMID: 10631160, 10749657, 16254195, 24095820). The frequency data for this variant in the population databases is considered unreliable, as metrics indicate insufficient coverage at this position in the gnomAD database. This variant has not been reported in the literature in individuals affected with MNX1-related conditions. For these reasons, this variant has been classified as Pathogenic.

GeneDx
Classification: Pathogenic. Last evaluated: 2024-07-02. Review status: criteria provided, single submitter. Criteria: GeneDx Variant Classification Process June 2021. Collection method: clinical testing. Allele origin: germline. Affected: yes.
Comment: Frameshift variant predicted to result in protein truncation or nonsense mediated decay in a gene for which loss of function is a known mechanism of disease; Not observed at significant frequency in large population cohorts (gnomAD); Has not been previously published as pathogenic or benign to our knowledge

Literature cited by the submitters: PubMed 10631160 (cited by Labcorp Genetics (formerly Invitae), Labcorp); PubMed 10749657 (cited by Labcorp Genetics (formerly Invitae), Labcorp); PubMed 16254195 (cited by Labcorp Genetics (formerly Invitae), Labcorp); PubMed 24095820 (cited by Labcorp Genetics (formerly Invitae), Labcorp).